The following is an entry in ClinVar:

ClinVar aggregate classification (germline): Pathogenic (1 of 4 stars; one submission).

Conditions:
Inborn genetic diseases. Identifiers: MedGen C0950123, MeSH D030342.

Submission:

Ambry Genetics
Classification: Pathogenic for Inborn genetic diseases. Last evaluated: 2021-07-02. Review status: criteria provided, single submitter. Criteria: Ambry Variant Classification Scheme 2023. Collection method: clinical testing. Allele origin: germline.
Comment: The c.2616delT (p.L873Sfs*75) alteration, located in exon 13 (coding exon 11) of the KAT6B gene, consists of a deletion of one nucleotide at position 2616, causing a translational frameshift with a predicted alternate stop codon after 75 amino acids. Frameshift alterations are typically deleterious in nature (Richards, 2015). This alteration is expected to result in loss of function by premature protein truncation or nonsense-mediated mRNA decay. Based on data from the Genome Aggregation Database (gnomAD), the KAT6B c.2616delT alteration was not observed, with coverage at this position. Based on the available evidence, this alteration is classified as pathogenic.

NM_012330.4(KAT6B):c.2616del (p.Leu873fs)

Gene: KAT6B (lysine acetyltransferase 6B; plus strand). Cytogenetic location: 10q22.2.
Variant type: Deletion.
Coding change: c.2616del on transcript NM_012330.4 (MANE Select); coding-DNA position 2616, one base deleted (T; older notation c.2616delT).
Protein change: p.Leu873fs; shifts the reading frame from leucine 873.
Molecular consequence: frameshift variant.
Genome position (GRCh38, 1-based): chr10:74,989,099, T deleted; the last of 3 consecutive T bases (chr10:74,989,097-74,989,099); deleting any one gives the same sequence. VCF-style (leftmost placement, unchanged base first): chr10-74989096-GT-G. GRCh37 (hg19) VCF-style: chr10-76748854-GT-G.
Other names: c.2067del, p.Leu690fs (NM_001256468.2, NM_001370138.1); c.1740del, p.Leu581fs (NM_001256469.2, NM_001370139.1, NM_001370140.1 and 2 more transcripts); c.1578del, p.Leu527fs (NM_001370132.1); c.927del, p.Leu310fs (NM_001370133.1); c.531del, p.Leu178fs (NM_001370134.1); c.273del, p.Leu92fs (NM_001370135.1); c.2616del, p.Leu873fs (NM_001370136.1, NM_001370137.1); c.1551del, p.Leu518fs (NM_001370143.1, NM_001370144.1); short protein forms L518fs, L178fs, L92fs, L310fs, L581fs, L527fs, L690fs, L873fs.
Identifiers: ClinVar variation 2231535 (VCV002231535.2), dbSNP rs2549028386, ClinGen allele CA2580081960.
Genomic context (GRCh38, chr10:74,989,096, plus strand): 5'-GAAGTATAATGTCTCCTGCATAATGATCATGCCCCAGCACCAAAGGCAAGGATTTGGACG[GT>G]TTCTCATTGATTTCAGTAAGTGAAGTACTTTATTTACTTTCATGATCCAGGAAGCTGATG-3'